The following is an entry in ClinVar:

ClinVar aggregate classification (germline): Uncertain significance. Review status: criteria provided, multiple submitters, no conflicts (2 of 4 stars). 2 submissions from 2 submitters: Uncertain significance (2). Last evaluated 2024-04-16.

Conditions:
Spermatogenic failure 18. Identifiers: MedGen C4539783, MONDO:0054615, OMIM 617576.
Ciliary dyskinesia, primary, 37 (CILD37). Also called: CILIARY DYSKINESIA, PRIMARY, 37, WITH OR WITHOUT SITUS INVERSUS. Identifiers: MedGen C4539798, MONDO:0033204, OMIM 617577.

Allele frequency attached by ClinVar (database versions not stated): ExAC 0.00002; gnomAD 0.00003; gnomAD exomes 0.00003; TOPMed 0.00004; 1000 Genomes Project 30x 0.00016; 1000 Genomes Project 0.00020.
gnomAD v4.1: 43 of 1,613,720 alleles (0.0027%); highest among the groups gnomAD compares: South Asian, 0.012%; no homozygotes.

Submissions (2):

Labcorp Genetics (formerly Invitae), Labcorp
Classification: Uncertain significance for Ciliary dyskinesia, primary, 37; Spermatogenic failure 18. Last evaluated: 2024-04-16. Review status: criteria provided, single submitter. Criteria: Invitae Variant Classification Sherloc (09022015). Collection method: clinical testing. Allele origin: germline.
Comment: This sequence change replaces threonine, which is neutral and polar, with methionine, which is neutral and non-polar, at codon 3136 of the DNAH1 protein (p.Thr3136Met). This variant is present in population databases (rs567406387, gnomAD 0.01%). This variant has not been reported in the literature in individuals affected with DNAH1-related conditions. ClinVar contains an entry for this variant (Variation ID: 2273920). Advanced modeling of protein sequence and biophysical properties (such as structural, functional, and spatial information, amino acid conservation, physicochemical variation, residue mobility, and thermodynamic stability) performed at Invitae indicates that this missense variant is expected to disrupt DNAH1 protein function with a positive predictive value of 80%. In summary, the available evidence is currently insufficient to determine the role of this variant in disease. Therefore, it has been classified as a Variant of Uncertain Significance.

Ambry Genetics
Classification: Uncertain significance. Last evaluated: 2022-01-26. Review status: criteria provided, single submitter. Criteria: Ambry Variant Classification Scheme 2023. Collection method: clinical testing. Allele origin: germline.

NM_015512.5(DNAH1):c.9407C>T (p.Thr3136Met)

Gene: DNAH1 (dynein axonemal heavy chain 1; plus strand). Cytogenetic location: 3p21.1.
Variant type: single nucleotide variant.
Coding change: c.9407C>T on transcript NM_015512.5 (MANE Select); coding-DNA position 9407, C replaced by T.
Protein change: p.Thr3136Met; replaces threonine 3136 with methionine.
Molecular consequence: missense variant.
Genome position (GRCh38, 1-based): chr3:52,388,849, C>T. VCF-style: chr3-52388849-C-T. GRCh37 (hg19) VCF-style: chr3-52422865-C-T.
Other names: short protein forms T3136M.
Identifiers: ClinVar variation 2273920 (VCV002273920.3), dbSNP rs567406387, ClinGen allele CA2435521.